The following is an entry in ClinVar:

ClinVar aggregate classification (germline): Likely benign (1 of 4 stars; one submission).

Allele frequency attached by ClinVar (database versions not stated): ExAC 0.00001; gnomAD exomes 0.00001; TOPMed 0.00001.
gnomAD v4.1: 18 of 1,614,110 alleles (0.0011%); highest among the groups gnomAD compares: Non-Finnish European, 0.0015%; no homozygotes.

Submission:

CeGaT Center for Human Genetics Tuebingen
Classification: Likely benign. Last evaluated: 2023-05-01. Review status: criteria provided, single submitter. Criteria: CeGaT Center For Human Genetics Tuebingen Variant Classification Criteria Version 2. Collection method: clinical testing. Allele origin: germline. Affected: yes. Observed: 1 variant allele.
Comment: DLL1: BP4, BP7

NM_005618.4(DLL1):c.768G>A (p.Glu256=)

Gene: DLL1 (delta like canonical Notch ligand 1; minus strand). Cytogenetic location: 6q27.
Variant type: single nucleotide variant.
Coding change: c.768G>A on transcript NM_005618.4 (MANE Select); coding-DNA position 768, G replaced by A.
Protein change: p.Glu256=; no amino-acid change (glutamic acid 256 retained).
Molecular consequence: synonymous variant.
Genome position (GRCh38, 1-based): chr6:170,285,663, C>T on the plus strand (G>A on the coding strand, the complement: DLL1 is on the minus strand). VCF-style: chr6-170285663-C-T. GRCh37 (hg19) VCF-style: chr6-170594751-C-T.
Identifiers: ClinVar variation 2571269 (VCV002571269.27), dbSNP rs753787164, ClinGen allele CA4107023.